The following is an entry in ClinVar:

ClinVar aggregate classification (germline): Likely benign (0 of 4 stars; one submission).

Conditions:
DGKD-related disorder. Also called: DGKD-related condition.

Allele frequency attached by ClinVar (database versions not stated): gnomAD exomes 0.00004; ExAC 0.00005; gnomAD 0.00009.
gnomAD v4.1: 77 of 1,614,100 alleles (0.0048%); highest among the groups gnomAD compares: East Asian, 0.011%; no homozygotes.

Submission:

PreventionGenetics, part of Exact Sciences
Classification: Likely benign for DGKD-related condition. Last evaluated: 2019-04-08. Review status: no assertion criteria provided. Collection method: clinical testing. Allele origin: germline.
Comment: This variant is classified as likely benign based on ACMG/AMP sequence variant interpretation guidelines (Richards et al. 2015 PMID: 25741868, with internal and published modifications).

NM_152879.3(DGKD):c.1587G>A (p.Ser529=)

Gene: DGKD (diacylglycerol kinase delta; plus strand). Cytogenetic location: 2q37.1.
Variant type: single nucleotide variant.
Coding change: c.1587G>A on transcript NM_152879.3 (MANE Select); coding-DNA position 1587, G replaced by A.
Protein change: p.Ser529=; no amino-acid change (serine 529 retained).
Molecular consequence: synonymous variant.
Genome position (GRCh38, 1-based): chr2:233,448,348, G>A. VCF-style: chr2-233448348-G-A. GRCh37 (hg19) VCF-style: chr2-234356994-G-A.
Other names: c.1188G>A, p.Ser396= (NM_001377259.1); c.1455G>A, p.Ser485= (NM_003648.3).
Identifiers: ClinVar variation 3058728 (VCV003058728.2), dbSNP rs748263202, ClinGen allele CA2175311.